The following is an entry in ClinVar:

NM_004415.4(DSP):c.3530T>A (p.Leu1177Gln)

Gene: DSP (desmoplakin; plus strand). Cytogenetic location: 6p24.3.
Variant type: single nucleotide variant.
Coding change: c.3530T>A on transcript NM_004415.4 (MANE Select); coding-DNA position 3530, T replaced by A.
Protein change: p.Leu1177Gln; replaces leucine 1177 with glutamine.
Molecular consequence: missense variant.
Genome position (GRCh38, 1-based): chr6:7,579,720, T>A. VCF-style: chr6-7579720-T-A. GRCh37 (hg19) VCF-style: chr6-7579953-T-A.
Other names: c.3530T>A (LRG_423t1); c.3530T>A, p.Leu1177Gln (NM_001008844.3, NM_001319034.2); short protein forms L1177Q.
Identifiers: ClinVar variation 405226 (VCV000405226.8), dbSNP rs770489625, ClinGen allele CA038306.

ClinVar aggregate classification (germline): Conflicting classifications of pathogenicity. Review status: criteria provided, conflicting classifications (1 of 4 stars). 2 submissions from 2 submitters: Uncertain significance (1); Likely benign (1). Last evaluated 2023-09-10.

Conditions:
Arrhythmogenic cardiomyopathy with wooly hair and keratoderma. Also called: PALMOPLANTAR KERATODERMA WITH LEFT VENTRICULAR CARDIOMYOPATHY AND WOOLLY HAIR; Carvajal syndrome; Dilated cardiomyopathy with woolly hair and keratoderma; Arrhythmogenic cardiomyopathy with woolly hair and keratoderma. Identifiers: Orphanet 65282, MedGen C1854063, MONDO:0011581, OMIM 605676.
Arrhythmogenic right ventricular dysplasia 8 (ARVD8). Also called: Arrhythmogenic Right Ventricular Dysplasia/Cardiomyopathy 8; ARRHYTHMOGENIC RIGHT VENTRICULAR DYSPLASIA, FAMILIAL, 8; ARRHYTHMOGENIC RIGHT VENTRICULAR CARDIOMYOPATHY 8. Identifiers: MedGen C1843896, MONDO:0011831, OMIM 607450.

Allele frequency attached by ClinVar (database versions not stated): gnomAD 0.00001; TOPMed 0.00001; gnomAD exomes 0.00002; ExAC 0.00003.
gnomAD v4.1: 17 of 1,613,576 alleles (0.0011%); highest among the groups gnomAD compares: Non-Finnish European, 0.0013%; no homozygotes.

Submissions (2):

Labcorp Genetics (formerly Invitae), Labcorp
Classification: Likely benign for Arrhythmogenic cardiomyopathy with wooly hair and keratoderma; Arrhythmogenic right ventricular dysplasia 8. Last evaluated: 2023-09-10. Review status: criteria provided, single submitter. Criteria: Invitae Variant Classification Sherloc (09022015). Collection method: clinical testing. Allele origin: germline.

All of Us Research Program, National Institutes of Health
Classification: Uncertain significance for Arrhythmogenic cardiomyopathy with wooly hair and keratoderma. Last evaluated: 2023-08-15. Review status: criteria provided, single submitter. Criteria: ACMG Guidelines, 2015. Collection method: clinical testing. Allele origin: germline. Inheritance: Autosomal dominant inheritance. Observed: 2 variant alleles, 2 heterozygotes.
Comment: This missense variant replaces leucine with glutamine at codon 1177 of the DSP protein. Computational prediction suggests that this variant may not impact protein structure and function (internally defined REVEL score threshold <= 0.5, PMID: 27666373). To our knowledge, functional studies have not been reported for this variant. This variant has not been reported in individuals affected with DSP-related disorders in the literature. This variant has been identified in 6/250344 chromosomes in the general population by the Genome Aggregation Database (gnomAD). The available evidence is insufficient to determine the role of this variant in disease conclusively. Therefore, this variant is classified as a Variant of Uncertain Significance.

This study involves interpretation of variants in research participants for the purpose of population health screening. Participant phenotype was not available at the time of variant classification. Additional details can be found in publication PMID: 35346344, PMCID: PMC8962531